The following is an entry in ClinVar:

NM_006767.4(LZTR1):c.631G>A (p.Glu211Lys)

Gene: LZTR1 (leucine zipper like post translational regulator 1; plus strand). Cytogenetic location: 22q11.21.
Variant type: single nucleotide variant.
Coding change: c.631G>A on transcript NM_006767.4 (MANE Select); coding-DNA position 631, G replaced by A.
Protein change: p.Glu211Lys; replaces glutamic acid 211 with lysine.
Molecular consequence: missense variant.
Genome position (GRCh38, 1-based): chr22:20,989,662, G>A. VCF-style: chr22-20989662-G-A. GRCh37 (hg19) VCF-style: chr22-21343951-G-A.
Other names: short protein forms E211K.
Identifiers: ClinVar variation 4754688 (VCV004754688.1).

ClinVar aggregate classification (germline): Uncertain significance (1 of 4 stars; one submission).

Submission:

Labcorp Genetics (formerly Invitae), Labcorp
Classification: Uncertain significance. Last evaluated: 2025-12-14. Review status: criteria provided, single submitter. Criteria: Invitae Variant Classification Sherloc (09022015). Collection method: clinical testing. Allele origin: germline.
Comment: This sequence change replaces glutamic acid, which is acidic and polar, with lysine, which is basic and polar, at codon 211 of the LZTR1 protein (p.Glu211Lys). This variant is not present in population databases (gnomAD no frequency). This variant has not been reported in the literature in individuals affected with LZTR1-related conditions. Invitae Evidence Modeling of protein sequence and biophysical properties (such as structural, functional, and spatial information, amino acid conservation, physicochemical variation, residue mobility, and thermodynamic stability) indicates that this missense variant is not expected to disrupt LZTR1 protein function with a negative predictive value of 80%. In summary, the available evidence is currently insufficient to determine the role of this variant in disease. Therefore, it has been classified as a Variant of Uncertain Significance.